The following is an entry in ClinVar:

ClinVar aggregate classification (germline): Pathogenic (1 of 4 stars; one submission).

Submission:

ISCA site 4
Classification: Pathogenic. Last evaluated: 2011-08-12. Review status: criteria provided, single submitter. Criteria: Kaminsky et al. (Genet Med. 2011). Collection method: clinical testing. Allele origin: de novo. Affected: yes. Observed: 1 variant allele.
Comment: Copy number variation identified through the course of routine clinical cytogenomic testing in postnatal populations. Clinical assertions have been curated as described in Kaminsky et al. 2011.

GRCh38/hg38 17p13.3(chr17:1065649-2261786)x1

Genes: MIR132 (microRNA 132; minus strand), MIR212 (microRNA 212; minus strand), MIR22 (microRNA 22; minus strand), MIR22HG (MIR22 host gene; minus strand), MYO1C (myosin IC; minus strand) and 118 more. Cytogenetic location: 17p13.3.
Variant type: copy number loss.
Change: copy number 1 (one copy instead of two) of chr17:1,065,649-2,261,786 (1.20 Mb, GRCh38 coordinates, 1-based), cytogenetic band 17p13.3.
Identifiers: ClinVar variation 57165 (VCV000057165.1).